The following is an entry in ClinVar:

NM_001199107.2(TBC1D24):c.1537G>A (p.Gly513Ser)

Gene: TBC1D24 (TBC1 domain family member 24; plus strand). Cytogenetic location: 16p13.3.
Variant type: single nucleotide variant.
Coding change: c.1537G>A on transcript NM_001199107.2 (MANE Select); coding-DNA position 1537, G replaced by A.
Protein change: p.Gly513Ser; replaces glycine 513 with serine.
Molecular consequence: missense variant.
Genome position (GRCh38, 1-based): chr16:2,500,815, G>A. VCF-style: chr16-2500815-G-A. GRCh37 (hg19) VCF-style: chr16-2550816-G-A.
Other names: c.1519G>A, p.Gly507Ser (NM_020705.3); short protein forms G513S, G507S.
Identifiers: ClinVar variation 1483419 (VCV001483419.6), dbSNP rs779026472, ClinGen allele CA7844339.
Genomic context (GRCh38, chr16:2,500,815, plus strand): 5'-TCAGTGCTGATAGGGCAGTCAGGCCGCCACTGACCTGAGCATCCTGCAGGGGGAGGAGGC[G>A]GCCAGGCGCTCTACATCGATGGGGACCTGAACCGGGGCCGCACAAGCCACTGCGACACCT-3'
Protein context (NP_001186036.1, residues 503-523): SDCLIVGGGG[Gly513Ser]QALYIDGDLN

ClinVar aggregate classification (germline): Uncertain significance (1 of 4 stars; one submission).

Conditions:
Autosomal dominant nonsyndromic hearing loss 65. Also called: Deafness, autosomal dominant 65; TBC1D24-Related Autosomal Dominant Nonsyndromic Hearing Loss (DFNA). Identifiers: Orphanet 90635, MedGen C3892048, MONDO:0014470, OMIM 616044.
Developmental and epileptic encephalopathy, 1 (DEE1). Also called: X-linked infantile spasms; West's syndrome; Tonic spasms with clustering, arrest of psychomotor development and hypsarrhythmia on EEG; X-Linked Infantile Spasm Syndrome; OHTAHARA SYNDROME, X-LINKED; INFANTILE SPASM SYNDROME, X-LINKED 1. Identifiers: MedGen C3463992, MONDO:0010632, OMIM 308350. Disease mechanism: loss of function.

Allele frequency attached by ClinVar (database versions not stated): gnomAD exomes 0.00001; TOPMed 0.00003; ExAC 0.00001; gnomAD 0.00002.
gnomAD v4.1: 17 of 1,605,332 alleles (0.0011%); highest among the groups gnomAD compares: East Asian, 0.0067%; no homozygotes.

Submission:

Labcorp Genetics (formerly Invitae), Labcorp
Classification: Uncertain significance for Developmental and epileptic encephalopathy, 1; Autosomal dominant nonsyndromic hearing loss 65. Last evaluated: 2025-05-02. Review status: criteria provided, single submitter. Criteria: Invitae Variant Classification Sherloc (09022015). Collection method: clinical testing. Allele origin: germline.
Comment: This sequence change replaces glycine, which is neutral and non-polar, with serine, which is neutral and polar, at codon 513 of the TBC1D24 protein (p.Gly513Ser). This variant is present in population databases (rs779026472, gnomAD 0.002%). This variant has not been reported in the literature in individuals affected with TBC1D24-related conditions. ClinVar contains an entry for this variant (Variation ID: 1483419). Invitae Evidence Modeling of protein sequence and biophysical properties (such as structural, functional, and spatial information, amino acid conservation, physicochemical variation, residue mobility, and thermodynamic stability) indicates that this missense variant is expected to disrupt TBC1D24 protein function with a positive predictive value of 95%. In summary, the available evidence is currently insufficient to determine the role of this variant in disease. Therefore, it has been classified as a Variant of Uncertain Significance.